The following is an entry in ClinVar:

ClinVar aggregate classification (germline): Uncertain significance. Review status: criteria provided, single submitter (1 of 4 stars). 2 submissions from 2 submitters: Uncertain significance (1). 1 of the submissions does not count toward it. Last evaluated 2024-06-25.

Conditions:
Cystic fibrosis (CF). Also called: MUCOVISCIDOSIS. Identifiers: Orphanet 586, MedGen C0010674, MONDO:0009061, OMIM 219700. Disease mechanism: loss of function.

Submissions (2):

Ambry Genetics
Classification: Uncertain significance for Cystic fibrosis. Last evaluated: 2024-06-25. Review status: criteria provided, single submitter. Criteria: Ambry Variant Classification Scheme 2023. Collection method: clinical testing. Allele origin: germline.
Comment: The c.4291_4299delCTGAACGAG variant (also known as p.L1431_E1433del) is located in coding exon 27 of the CFTR gene. This variant results from an in-frame CTGAACGAG deletion at nucleotide positions 4291 to 4299. This results in the in-frame deletion of 3 amino acids at codons 1431 to 1433. This alteration was identified in an individual with azoospermia or severe oligozoospermia (Oud MS et al. Hum Mutat, 2017 Nov;38:1592-1605). This amino acid region is poorly conserved in available vertebrate species. In addition, this alteration is predicted to be deleterious by in silico analysis (Choi Y et al. PLoS ONE. 2012; 7(10):e46688). Based on the available evidence, the clinical significance of this variant remains unclear.

Counsyl
Classification: Uncertain significance for Cystic fibrosis. Last evaluated: 2018-04-09. Review status: no assertion criteria provided. Collection method: clinical testing. Allele origin: unknown. Not counted in ClinVar's aggregate classification.

Literature cited by the submitters: PubMed 28801929 (cited by Ambry Genetics).

NM_000492.4(CFTR):c.4291_4299del (p.Leu1431_Glu1433del)

Genes: CFTR (CF transmembrane conductance regulator; plus strand), LOC111674477 (CFTR intron 23 enhancer; plus strand). Cytogenetic location: 7q31.2.
Variant type: Deletion.
Coding change: c.4291_4299del on transcript NM_000492.4 (MANE Select); coding-DNA positions 4291 to 4299, 9 bases deleted (CTGAACGAG; older notation c.4291_4299delCTGAACGAG).
Protein change: p.Leu1431_Glu1433del.
Molecular consequence: inframe deletion.
Genome position (GRCh38, 1-based): chr7:117,666,956-117,666,964, CTGAACGAG deleted; deleting any 9 consecutive bases within chr7:117,666,955-117,666,964 gives the same sequence; the c. name uses the placement nearest the transcript's 3' end. VCF-style (leftmost placement, unchanged base first): chr7-117666954-TGCTGAACGA-T. GRCh37 (hg19) VCF-style: chr7-117307008-TGCTGAACGA-T.
Other names: c.4291_4299delCTGAACGAG (NM_000492.3); c.4291_4299del9 (NM_000492.3).
Identifiers: ClinVar variation 557850 (VCV000557850.3), dbSNP rs747078069, ClinGen allele CA4451685.
Genomic context (GRCh38, chr7:117,666,954, plus strand): 5'-AGCCATTTCCCTAGGTCATAGAAGAGAACAAAGTGCGGCAGTACGATTCCATCCAGAAAC[TGCTGAACGA>T]GAGGAGCCTCTTCCGGCAAGCCATCAGCCCCTCCGACAGGGTGAAGCTCTTTCCCCACCG-3'